The following is an entry in ClinVar:

NM_058216.3(RAD51C):c.29T>A (p.Met10Lys)

Gene: RAD51C (RAD51 paralog C; plus strand). Cytogenetic location: 17q22.
Variant type: single nucleotide variant.
Coding change: c.29T>A on transcript NM_058216.3 (MANE Select); coding-DNA position 29, T replaced by A.
Protein change: p.Met10Lys; replaces methionine 10 with lysine.
Molecular consequence: missense variant. On other transcripts: non-coding transcript variant (2).
Genome position (GRCh38, 1-based): chr17:58,692,672, T>A. VCF-style: chr17-58692672-T-A. GRCh37 (hg19) VCF-style: chr17-56770033-T-A.
Other names: c.29T>A, p.Met10Lys (NM_002876.4, NM_058217.1); short protein forms M10K.
Identifiers: ClinVar variation 2125806 (VCV002125806.4), dbSNP rs730881936, ClinGen allele CA400336390.
Genomic context (GRCh38, chr17:58,692,672, plus strand): 5'-TGGCTGCTCCGGGGTTAGCAGGTGAGCCTGCGATGCGCGGGAAGACGTTCCGCTTTGAAA[T>A]GCAGCGGGATTTGGTGAGTTTCCCGCTGTCTCCAGCGGTGCGGGTGAAGCTGGTGTCTGC-3'
Protein context (NP_478123.1, residues 1-20): MRGKTFRFE[Met10Lys]QRDLVSFPLS

ClinVar aggregate classification (germline): Uncertain significance (1 of 4 stars; one submission).

Conditions:
Fanconi anemia complementation group O. Also called: RAD51C-Related Fanconi Anemia. Identifiers: Orphanet 84, MedGen C3150653, MONDO:0013248, OMIM 613390.

Submission:

Labcorp Genetics (formerly Invitae), Labcorp
Classification: Uncertain significance for Fanconi anemia complementation group O. Last evaluated: 2022-04-13. Review status: criteria provided, single submitter. Criteria: Invitae Variant Classification Sherloc (09022015). Collection method: clinical testing. Allele origin: germline.
Comment: This variant is not present in population databases (gnomAD no frequency). This sequence change replaces methionine, which is neutral and non-polar, with lysine, which is basic and polar, at codon 10 of the RAD51C protein (p.Met10Lys). This variant has not been reported in the literature in individuals affected with RAD51C-related conditions. Algorithms developed to predict the effect of missense changes on protein structure and function are either unavailable or do not agree on the potential impact of this missense change (SIFT: "Tolerated"; PolyPhen-2: "Probably Damaging"; Align-GVGD: "Class C0"). In summary, the available evidence is currently insufficient to determine the role of this variant in disease. Therefore, it has been classified as a Variant of Uncertain Significance.